The following is an entry in ClinVar:

NM_014714.4(IFT140):c.1187A>T (p.Asn396Ile)

Genes: IFT140 (intraflagellar transport 140; minus strand), LOC105371046 (uncharacterized LOC105371046; plus strand). Cytogenetic location: 16p13.3.
Variant type: single nucleotide variant.
Coding change: c.1187A>T on transcript NM_014714.4 (MANE Select); coding-DNA position 1187, A replaced by T.
Protein change: p.Asn396Ile; replaces asparagine 396 with isoleucine.
Molecular consequence: missense variant.
Genome position (GRCh38, 1-based): chr16:1,584,389, T>A on the plus strand (A>T on the coding strand, the complement: IFT140 is on the minus strand). VCF-style: chr16-1584389-T-A. GRCh37 (hg19) VCF-style: chr16-1634390-T-A.
Other names: short protein forms N396I.
Identifiers: ClinVar variation 2065930 (VCV002065930.5), dbSNP rs1216397912, ClinGen allele CA394215051.

ClinVar aggregate classification (germline): Uncertain significance. Review status: criteria provided, multiple submitters, no conflicts (2 of 4 stars). 2 submissions from 2 submitters: Uncertain significance (2). Last evaluated 2022-11-04.

Conditions:
Saldino-Mainzer syndrome (SRTD9). Also called: CONORENAL SYNDROME; short-rib thoracic dysplasia 9 with or without polydactyly; Renal dysplasia, retinal pigmentary dystrophy, cerebellar ataxia and skeletal dysplasia; SHORT-RIB THORACIC DYSPLASIA 9 WITHOUT POLYDACTYLY. Identifiers: Orphanet 140969, MedGen C1849437, MONDO:0009964, OMIM 266920.

Allele frequency attached by ClinVar (database versions not stated): TOPMed below 0.00001; gnomAD exomes 0.00001.
gnomAD v4.1: 9 of 1,611,558 alleles (0.00056%); highest among the groups gnomAD compares: African/African-American, 0.0013%; no homozygotes.

Submissions (2):

Blueprint Genetics
Classification: Uncertain significance. Last evaluated: 2022-11-04. Review status: criteria provided, single submitter. Criteria: ACMG Guidelines, 2015. Collection method: clinical testing. Allele origin: germline.

Labcorp Genetics (formerly Invitae), Labcorp
Classification: Uncertain significance for Saldino-Mainzer syndrome. Last evaluated: 2022-06-28. Review status: criteria provided, single submitter. Criteria: Invitae Variant Classification Sherloc (09022015). Collection method: clinical testing. Allele origin: germline.
Comment: This variant is present in population databases (no rsID available, gnomAD 0.0009%). In summary, the available evidence is currently insufficient to determine the role of this variant in disease. Therefore, it has been classified as a Variant of Uncertain Significance. Algorithms developed to predict the effect of missense changes on protein structure and function are either unavailable or do not agree on the potential impact of this missense change (SIFT: "Tolerated"; PolyPhen-2: "Possibly Damaging"; Align-GVGD: "Class C0"). This variant has not been reported in the literature in individuals affected with IFT140-related conditions. This sequence change replaces asparagine, which is neutral and polar, with isoleucine, which is neutral and non-polar, at codon 396 of the IFT140 protein (p.Asn396Ile).